The following is an entry in ClinVar:

ClinVar aggregate classification (germline): Pathogenic (1 of 4 stars; one submission).

Conditions:
Leber congenital amaurosis 2 (LCA2). Also called: AMAUROSIS CONGENITA OF LEBER II; Autosomal Recessive RPE65-Related Retinal Degeneration. Identifiers: Orphanet 65, MedGen C1859844, MONDO:0008765, OMIM 204100. Disease mechanism: loss of function.
Retinitis pigmentosa 20 (RP20). Identifiers: Orphanet 791, MedGen C3151086, MONDO:0013425, OMIM 613794.

Submission:

Labcorp Genetics (formerly Invitae), Labcorp
Classification: Pathogenic for Leber congenital amaurosis 2; Retinitis pigmentosa 20. Last evaluated: 2019-10-16. Review status: criteria provided, single submitter. Criteria: Invitae Variant Classification Sherloc (09022015). Collection method: clinical testing. Allele origin: germline.
Comment: For these reasons, this variant has been classified as Pathogenic. Loss-of-function variants in RPE65 are known to be pathogenic (PMID: 9326941, 9501220, 18632300). This variant has not been reported in the literature in individuals with RPE65-related conditions. This variant is not present in population databases (ExAC no frequency). This sequence change creates a premature translational stop signal (p.Asp277Phefs*2) in the RPE65 gene. It is expected to result in an absent or disrupted protein product.

Literature cited by the submitters: PubMed 9326941; PubMed 9501220; PubMed 18632300.

NM_000329.3(RPE65):c.829_833del (p.Asp277fs)

Gene: RPE65 (retinoid isomerohydrolase RPE65; minus strand). Cytogenetic location: 1p31.3.
Variant type: Deletion.
Coding change: c.829_833del on transcript NM_000329.3 (MANE Select); coding-DNA positions 829 to 833, 5 bases deleted (GATTG; older notation c.829_833delGATTG).
Protein change: p.Asp277fs; shifts the reading frame from aspartic acid 277.
Molecular consequence: frameshift variant.
Genome position (GRCh38, 1-based): chr1:68,439,216-68,439,220, CAATC deleted on the plus strand (GATTG on the coding strand, the reverse complement: RPE65 is on the minus strand); deleting any 5 consecutive bases within chr1:68,439,216-68,439,222 gives the same sequence; the c. name uses the placement nearest the transcript's 3' end. VCF-style (leftmost placement, unchanged base first): chr1-68439215-ACAATC-A. GRCh37 (hg19) VCF-style: chr1-68904898-ACAATC-A.
Other names: short protein forms D277fs.
Identifiers: ClinVar variation 955219 (VCV000955219.7), dbSNP rs1645882447, ClinGen allele CA1139655503.